The following is an entry in ClinVar:

NM_025179.4(PLXNA2):c.4780G>A (p.Val1594Met)

Gene: PLXNA2 (plexin A2; minus strand). Cytogenetic location: 1q32.2.
Variant type: single nucleotide variant.
Coding change: c.4780G>A on transcript NM_025179.4 (MANE Select); coding-DNA position 4780, G replaced by A.
Protein change: p.Val1594Met; replaces valine 1594 with methionine.
Molecular consequence: missense variant.
Genome position (GRCh38, 1-based): chr1:208,034,577, C>T on the plus strand (G>A on the coding strand, the complement: PLXNA2 is on the minus strand). VCF-style: chr1-208034577-C-T. GRCh37 (hg19) VCF-style: chr1-208207922-C-T.
Other names: c.4780G>A (NM_025179.3); short protein forms V1594M.
Identifiers: ClinVar variation 3004097 (VCV003004097.4), dbSNP rs766591893, ClinGen allele CA1372759.
Genomic context (GRCh38, chr1:208,034,577, plus strand): 5'-AGATGCTGGCAGAGGCAGGGATGTTGTAGGAGGAGGTCTGTTTGGGGACCAGAGCCACCA[C>T]CGACCTGTCTGACACCTGAGAAGGGTACAAAAGGTACAGTACAAAAGGTGAATGTAGGTG-3'
Protein context (NP_079455.3, residues 1584-1604): LMHYQVSDRS[Val1594Met]VALVPKQTSS

ClinVar aggregate classification (germline): Uncertain significance. Review status: criteria provided, multiple submitters, no conflicts (2 of 4 stars). 2 submissions from 2 submitters: Uncertain significance (2). Last evaluated 2026-02-18.

Conditions:
PLXNA2-related disorder. Also called: PLXNA2-related condition.

Allele frequency attached by ClinVar (database versions not stated): gnomAD exomes below 0.00001; ExAC 0.00001; gnomAD 0.00001; TOPMed 0.00001.
gnomAD v4.1: 4 of 1,612,600 alleles (0.00025%); highest among the groups gnomAD compares: Admixed American, 0.0067%; no homozygotes.

Submissions (2):

PreventionGenetics, part of Exact Sciences
Classification: Uncertain significance for PLXNA2-related condition. Last evaluated: 2026-02-18. Review status: criteria provided, single submitter. Criteria: ACMG Guidelines, 2015. Collection method: clinical testing. Allele origin: germline.
Comment: The PLXNA2 c.4780G>A variant is predicted to result in the amino acid substitution p.Val1594Met. To our knowledge, this variant has not been reported in the literature. This variant is reported in 0.011% of alleles in individuals of Latino descent in gnomAD. At this time, the clinical significance of this variant is uncertain due to the absence of conclusive functional and genetic evidence.

Labcorp Genetics (formerly Invitae), Labcorp
Classification: Uncertain significance. Last evaluated: 2023-05-11. Review status: criteria provided, single submitter. Criteria: Invitae Variant Classification Sherloc (09022015). Collection method: clinical testing. Allele origin: germline.
Comment: In summary, the available evidence is currently insufficient to determine the role of this variant in disease. Therefore, it has been classified as a Variant of Uncertain Significance. Advanced modeling of protein sequence and biophysical properties (such as structural, functional, and spatial information, amino acid conservation, physicochemical variation, residue mobility, and thermodynamic stability) performed at Invitae indicates that this missense variant is not expected to disrupt PLXNA2 protein function. This variant has not been reported in the literature in individuals affected with PLXNA2-related conditions. This variant is present in population databases (rs766591893, gnomAD 0.01%). This sequence change replaces valine, which is neutral and non-polar, with methionine, which is neutral and non-polar, at codon 1594 of the PLXNA2 protein (p.Val1594Met).